The following is an entry in ClinVar:

NM_017780.4(CHD7):c.767T>A (p.Phe256Tyr)

Gene: CHD7 (chromodomain helicase DNA binding protein 7; plus strand). Cytogenetic location: 8q12.2.
Variant type: single nucleotide variant.
Coding change: c.767T>A on transcript NM_017780.4 (MANE Select); coding-DNA position 767, T replaced by A.
Protein change: p.Phe256Tyr; replaces phenylalanine 256 with tyrosine.
Molecular consequence: missense variant.
Genome position (GRCh38, 1-based): chr8:60,742,199, T>A. VCF-style: chr8-60742199-T-A. GRCh37 (hg19) VCF-style: chr8-61654758-T-A.
Other names: c.767T>A, p.Phe256Tyr (NM_001316690.1); short protein forms F256Y.
Identifiers: ClinVar variation 1353299 (VCV001353299.8), dbSNP rs2150579155, ClinGen allele CA371299271.

ClinVar aggregate classification (germline): Uncertain significance (1 of 4 stars; one submission).

Conditions:
CHARGE syndrome (CHARGE). Also called: Hittner Hirsch Kreh syndrome; CHARGE ASSOCIATION--COLOBOMA, HEART ANOMALY, CHOANAL ATRESIA, RETARDATION, GENITAL AND EAR ANOMALIES; Coloboma, heart anomaly, choanal atresia, retardation, genital and ear anomalies; CHARGE association; Hall-Hittner syndrome. Identifiers: Orphanet 138, MedGen C0265354, MONDO:0008965.

Submission:

Labcorp Genetics (formerly Invitae), Labcorp
Classification: Uncertain significance for CHARGE syndrome. Last evaluated: 2021-05-12. Review status: criteria provided, single submitter. Criteria: Invitae Variant Classification Sherloc (09022015). Collection method: clinical testing. Allele origin: germline.
Comment: This sequence change replaces phenylalanine with tyrosine at codon 256 of the CHD7 protein (p.Phe256Tyr). The phenylalanine residue is highly conserved and there is a small physicochemical difference between phenylalanine and tyrosine. In summary, the available evidence is currently insufficient to determine the role of this variant in disease. Therefore, it has been classified as a Variant of Uncertain Significance. Advanced modeling of protein sequence and biophysical properties (such as structural, functional, and spatial information, amino acid conservation, physicochemical variation, residue mobility, and thermodynamic stability) performed at Invitae indicates that this missense variant is not expected to disrupt CHD7 protein function. This variant has not been reported in the literature in individuals with CHD7-related conditions. This variant is not present in population databases (ExAC no frequency).